The following is an entry in ClinVar:

NM_001399.5(EDA):c.434_438del (p.Pro145fs)

Gene: EDA (ectodysplasin A; plus strand). Cytogenetic location: Xq13.1.
Variant type: Deletion.
Coding change: c.434_438del on transcript NM_001399.5 (MANE Select); coding-DNA positions 434 to 438, 5 bases deleted (CATAC; older notation c.434_438delCATAC).
Protein change: p.Pro145fs; shifts the reading frame from proline 145.
Molecular consequence: frameshift variant.
Genome position (GRCh38, 1-based): chrX:69,957,064-69,957,068, CATAC deleted; deleting any 5 consecutive bases within chrX:69,957,063-69,957,068 gives the same sequence; the c. name uses the placement nearest the transcript's 3' end. VCF-style (leftmost placement, unchanged base first): chrX-69957062-GCCATA-G. GRCh37 (hg19) VCF-style: chrX-69176912-GCCATA-G.
Other names: c.434_438del, p.Pro145fs (NM_001005609.2, NM_001005612.3); short protein forms P145fs.
Identifiers: ClinVar variation 2585278 (VCV002585278.1), dbSNP rs2520242542, ClinGen allele CA2582342921.

ClinVar aggregate classification (germline): Likely pathogenic (1 of 4 stars; one submission).

Conditions:
Hypohidrotic X-linked ectodermal dysplasia (XHED). Also called: ECTODERMAL DYSPLASIA, HYPOHIDROTIC, 1; CST SYNDROME; Ectodermal Dysplasia 1, Anhidrotic; Christ-Siemans-Touraine syndrome; ECTODERMAL DYSPLASIA 1; Anhidrotic ectodermal dysplasia X-linked. Identifiers: Orphanet 181, Orphanet 238468, MedGen C0162359, MONDO:0010585, OMIM 305100.

Submission:

Neuberg Centre For Genomic Medicine, NCGM
Classification: Likely pathogenic for Hypohidrotic X-linked ectodermal dysplasia. Review status: criteria provided, single submitter. Criteria: ACMG Guidelines, 2015. Collection method: clinical testing. Allele origin: germline. Inheritance: X-linked inheritance. Affected: yes.
Comment: The frameshift variant has not been reported previously as a pathogenic variant nor as a benign variant, to our knowledge. This variant is novel (not in any individuals) in gnomAD Exomes and 1000 Genomes. This variant is predicted to cause loss of normal protein function through protein truncation. Loss of function variants have been previously reported to be disease causing. For these reasons, this variant has been classified as Likely Pathogenic.